The following is an entry in ClinVar:

ClinVar aggregate classification (germline): Pathogenic/Likely pathogenic. Review status: criteria provided, multiple submitters, no conflicts (2 of 4 stars). 6 submissions from 6 submitters: Pathogenic (5); Likely pathogenic (1). Last evaluated 2026-09-10.

Conditions:
Rare genetic deafness. Identifiers: Orphanet 96210, MedGen C5680250.
USH2A-related disorder. Also called: USH2A-related disorders; USH2A-related condition. Identifiers: MedGen CN239332.
Retinitis pigmentosa 39 (RP39). Identifiers: Orphanet 791, MedGen C3151138, MONDO:0013436, OMIM 613809.
Usher syndrome type 2A. Also called: RETINAL DISEASE IN USHER SYNDROME TYPE IIA, MODIFIER OF; USHER SYNDROME, TYPE IIA. Identifiers: Orphanet 231178, Orphanet 886, MedGen C1848634, MONDO:0010169, OMIM 276901.

Allele frequency attached by ClinVar (database versions not stated): gnomAD exomes 0.00001.
gnomAD v4.1: 8 of 1,612,756 alleles (0.0005%); highest among the groups gnomAD compares: Non-Finnish European, 0.00068%; no homozygotes.

Submissions (6):

PreventionGenetics, part of Exact Sciences
Classification: Pathogenic for USH2A-related condition. Last evaluated: 2026-09-10. Review status: criteria provided, single submitter. Criteria: ACMG Guidelines, 2015. Collection method: clinical testing. Allele origin: germline.
Comment: The USH2A c.7244C>G variant is predicted to result in premature protein termination (p.Ser2415*). This variant has been reported in individuals with USH2A-related disease (Table S1, Hufnagel et al. 2022. PubMed ID: 35266249; Table S1, Reurink et al. 2023. PubMed ID: 36785559). This variant has not been reported in a large population database (gnomAD), indicating this variant is rare. Nonsense variants in USH2A are expected to be pathogenic. This variant is interpreted as pathogenic.

Labcorp Genetics (formerly Invitae), Labcorp
Classification: Pathogenic. Last evaluated: 2025-07-23. Review status: criteria provided, single submitter. Criteria: Invitae Variant Classification Sherloc (09022015). Collection method: clinical testing. Allele origin: germline.
Comment: This sequence change creates a premature translational stop signal (p.Ser2415*) in the USH2A gene. It is expected to result in an absent or disrupted protein product. Loss-of-function variants in USH2A are known to be pathogenic (PMID: 10729113, 10909849, 20507924, 25649381). This variant is not present in population databases (gnomAD no frequency). This variant has not been reported in the literature in individuals affected with USH2A-related conditions. ClinVar contains an entry for this variant (Variation ID: 48579). For these reasons, this variant has been classified as Pathogenic.

Blueprint Genetics
Classification: Likely pathogenic for USH2A-related disorders. Last evaluated: 2024-10-14. Review status: criteria provided, single submitter. Criteria: ACMG Guidelines, 2015. Collection method: clinical testing. Allele origin: germline. Affected: yes. Observed: 4 variant alleles.

Genome-Nilou Lab
Classification: Pathogenic for Usher syndrome type 2A. Last evaluated: 2023-11-04. Review status: criteria provided, single submitter. Criteria: ACMG Guidelines, 2015. Collection method: clinical testing. Allele origin: germline. Affected: no.

Baylor Genetics
Classification: Pathogenic for Retinitis pigmentosa 39. Last evaluated: 2023-01-12. Review status: criteria provided, single submitter. Criteria: ACMG Guidelines, 2015. Collection method: clinical testing. Allele origin: unknown.

Laboratory for Molecular Medicine, Mass General Brigham Personalized Medicine
Classification: Pathogenic for Rare genetic deafness. Last evaluated: 2012-06-14. Review status: criteria provided, single submitter. Criteria: LMM Criteria. Collection method: clinical testing. Allele origin: germline. Inheritance: Autosomal recessive inheritance. Observed: 1 variant allele.
Comment: The Ser2415X variant in USH2A has not been reported in the literature nor previo usly identified by our laboratory. This nonsense variant leads to a premature te rmination codon at position 2415 which is predicted to lead to a truncated or ab sent protein. In summary, this variant meets our criteria to be classified as pa thogenic.

Literature cited by the submitters: PubMed 10729113 (cited by Labcorp Genetics (formerly Invitae), Labcorp); PubMed 10909849 (cited by Labcorp Genetics (formerly Invitae), Labcorp); PubMed 20507924 (cited by Labcorp Genetics (formerly Invitae), Labcorp); PubMed 25649381 (cited by Labcorp Genetics (formerly Invitae), Labcorp).

NM_206933.4(USH2A):c.7244C>G (p.Ser2415Ter)

Gene: USH2A (usherin; minus strand). Cytogenetic location: 1q41.
Variant type: single nucleotide variant.
Coding change: c.7244C>G on transcript NM_206933.4 (MANE Select); coding-DNA position 7244, C replaced by G.
Protein change: p.Ser2415Ter; replaces serine 2415 with a stop codon.
Molecular consequence: nonsense.
Genome position (GRCh38, 1-based): chr1:215,934,672, G>C on the plus strand (C>G on the coding strand, the complement: USH2A is on the minus strand). VCF-style: chr1-215934672-G-C. GRCh37 (hg19) VCF-style: chr1-216108014-G-C.
Other names: short protein forms S2415*.
Identifiers: ClinVar variation 48579 (VCV000048579.16), dbSNP rs397518029, ClinGen allele CA262116.